The following is an entry in ClinVar:

NM_020822.3(KCNT1):c.2522+15G>A

Gene: KCNT1 (potassium sodium-activated channel subfamily T member 1; plus strand). Cytogenetic location: 9q34.3.
Variant type: single nucleotide variant.
Coding change: c.2522+15G>A on transcript NM_020822.3 (MANE Select); 15 bases into the intron after coding-DNA position 2522, G replaced by A.
Molecular consequence: intron variant.
Genome position (GRCh38, 1-based): chr9:135,777,525, G>A. VCF-style: chr9-135777525-G-A. GRCh37 (hg19) VCF-style: chr9-138669371-G-A.
Other names: c.2387+15G>A (NM_001272003.2).
Identifiers: ClinVar variation 513374 (VCV000513374.10), dbSNP rs1313134564, ClinGen allele CA658797374.

ClinVar aggregate classification (germline): Likely benign. Review status: criteria provided, multiple submitters, no conflicts (2 of 4 stars). 4 submissions from 3 submitters: Likely benign (4). Last evaluated 2023-11-13.

Conditions:
Autosomal dominant nocturnal frontal lobe epilepsy 5. Also called: Epilepsy, nocturnal frontal lobe, 5; CILIARY DYSKINESIA, PRIMARY, 28, WITHOUT SITUS INVERSUS; CILIARY DYSKINESIA, PRIMARY, 28, WITH SITUS INVERSUS; KCNT1-Related Epilepsy. Identifiers: Orphanet 98784, MedGen C3554306, MONDO:0014002, OMIM 615005.
Developmental and epileptic encephalopathy, 14 (DEE14). Also called: Early infantile epileptic encephalopathy 14. Identifiers: Orphanet 293181, MedGen C3554195, MONDO:0013989, OMIM 614959.

gnomAD v4.1: 3 of 1,609,310 alleles (0.00019%); highest among the groups gnomAD compares: Admixed American, 0.0017%; no homozygotes.

Submissions (4):

Labcorp Genetics (formerly Invitae), Labcorp
Classification: Likely benign for Autosomal dominant nocturnal frontal lobe epilepsy 5; Developmental and epileptic encephalopathy, 14. Last evaluated: 2023-11-13. Review status: criteria provided, single submitter. Criteria: Invitae Variant Classification Sherloc (09022015). Collection method: clinical testing. Allele origin: germline.

Genome-Nilou Lab
Classification: Likely benign for Developmental and epileptic encephalopathy, 14. Last evaluated: 2022-03-15. Review status: criteria provided, single submitter. Criteria: ACMG Guidelines, 2015. Collection method: clinical testing. Allele origin: germline. Affected: no.

Genome-Nilou Lab
Classification: Likely benign for Autosomal dominant nocturnal frontal lobe epilepsy 5. Last evaluated: 2022-03-15. Review status: criteria provided, single submitter. Criteria: ACMG Guidelines, 2015. Collection method: clinical testing. Allele origin: germline. Affected: no.

GeneDx
Classification: Likely benign. Last evaluated: 2017-11-10. Review status: criteria provided, single submitter. Criteria: GeneDx Variant Classification (06012015). Collection method: clinical testing. Allele origin: germline. Affected: yes.
Comment: This variant is considered likely benign or benign based on one or more of the following criteria: it is a conservative change, it occurs at a poorly conserved position in the protein, it is predicted to be benign by multiple in silico algorithms, and/or has population frequency not consistent with disease.